The following is an entry in ClinVar:

ClinVar aggregate classification (germline): Uncertain significance. Review status: criteria provided, multiple submitters, no conflicts (2 of 4 stars). 2 submissions from 2 submitters: Uncertain significance (2). Last evaluated 2023-01-19.

Allele frequency attached by ClinVar (database versions not stated): gnomAD exomes 0.00001.
gnomAD v4.1: 10 of 1,613,984 alleles (0.00062%); highest among the groups gnomAD compares: Non-Finnish European, 0.00085%; no homozygotes.

Submissions (2):

Women's Health and Genetics/Laboratory Corporation of America, LabCorp
Classification: Uncertain significance. Last evaluated: 2023-01-19. Review status: criteria provided, single submitter. Criteria: LabCorp Variant Classification Summary - May 2015. Collection method: clinical testing. Allele origin: germline.
Comment: Variant summary: GRIN2D c.2236A>G (p.Thr746Ala) results in a non-conservative amino acid change located in the Ionotropic glutamate receptor, C-terminal domain (IPR001320). Four of five in-silico tools predict a benign effect of the variant on protein function. The variant allele was found at a frequency of 8e-06 in 250516 control chromosomes (gnomAD). The available data on variant occurrences in the general population are insufficient to allow any conclusion about variant significance. To our knowledge, no occurrence of c.2236A>G in individuals affected with Epileptic Encephalopathy, Early Infantile, 46 and no experimental evidence demonstrating its impact on protein function have been reported. No clinical diagnostic laboratories have submitted clinical-significance assessments for this variant to ClinVar after 2014. Based on the evidence outlined above, the variant was classified as uncertain significance.

Labcorp Genetics (formerly Invitae), Labcorp
Classification: Uncertain significance. Last evaluated: 2022-04-08. Review status: criteria provided, single submitter. Criteria: Invitae Variant Classification Sherloc (09022015). Collection method: clinical testing. Allele origin: germline.
Comment: Advanced modeling of protein sequence and biophysical properties (such as structural, functional, and spatial information, amino acid conservation, physicochemical variation, residue mobility, and thermodynamic stability) performed at Invitae indicates that this missense variant is not expected to disrupt GRIN2D protein function. This variant has not been reported in the literature in individuals affected with GRIN2D-related conditions. This variant is present in population databases (no rsID available, gnomAD 0.002%). This sequence change replaces threonine, which is neutral and polar, with alanine, which is neutral and non-polar, at codon 746 of the GRIN2D protein (p.Thr746Ala). In summary, the available evidence is currently insufficient to determine the role of this variant in disease. Therefore, it has been classified as a Variant of Uncertain Significance.

NM_000836.4(GRIN2D):c.2236A>G (p.Thr746Ala)

Gene: GRIN2D (glutamate ionotropic receptor NMDA type subunit 2D; plus strand). Cytogenetic location: 19q13.33.
Variant type: single nucleotide variant.
Coding change: c.2236A>G on transcript NM_000836.4 (MANE Select); coding-DNA position 2236, A replaced by G.
Protein change: p.Thr746Ala; replaces threonine 746 with alanine.
Molecular consequence: missense variant.
Genome position (GRCh38, 1-based): chr19:48,421,929, A>G. VCF-style: chr19-48421929-A-G. GRCh37 (hg19) VCF-style: chr19-48925186-A-G.
Other names: c.2236A>G (NM_000836.2); short protein forms T746A.
Identifiers: ClinVar variation 2123356 (VCV002123356.7), dbSNP rs1402632204, ClinGen allele CA406664288.